The following is an entry in ClinVar:

NM_019888.3(MC3R):c.350ACA[1] (p.Asn118del)

Gene: MC3R (melanocortin 3 receptor; plus strand). Cytogenetic location: 20q13.2.
Variant type: Microsatellite.
Coding change: c.350ACA[1] on transcript NM_019888.3 (MANE Select); one copy of the 3-base unit ACA starting at c.350; the reference has two copies in a row; one copy, 3 bases deleted.
Protein change: p.Asn118del; deletes asparagine 118.
Molecular consequence: inframe deletion.
Genome position (GRCh38, 1-based): chr20:56,249,196-56,249,198, ACA deleted; deleting any 3 consecutive bases within chr20:56,249,193-56,249,198 gives the same sequence; the position shown is the placement nearest the transcript's 3' end. VCF-style (leftmost placement, unchanged base first): chr20-56249192-GACA-G. GRCh37 (hg19) VCF-style: chr20-54824248-GACA-G.
Other names: c.353_355delACA (NM_019888.3); short protein forms N118del.
Identifiers: ClinVar variation 3352353 (VCV003352353.1).

ClinVar aggregate classification (germline): Uncertain significance (0 of 4 stars; one submission).

Conditions:
MC3R-related disorder. Also called: MC3R-related condition.

Submission:

PreventionGenetics, part of Exact Sciences
Classification: Uncertain significance for MC3R-related condition. Last evaluated: 2024-03-19. Review status: no assertion criteria provided. Collection method: clinical testing. Allele origin: germline.
Comment: The MC3R c.353_355delACA variant is predicted to result in an in-frame deletion (p.Asn118del). To our knowledge, this variant has not been reported in the literature or in a large population database, indicating this variant is rare. At this time, the clinical significance of this variant is uncertain due to the absence of conclusive functional and genetic evidence.